The following is an entry in ClinVar:

NM_002547.3(OPHN1):c.595C>G (p.Pro199Ala)

Gene: OPHN1 (oligophrenin 1; minus strand). Cytogenetic location: Xq12.
Variant type: single nucleotide variant.
Coding change: c.595C>G on transcript NM_002547.3 (MANE Select); coding-DNA position 595, C replaced by G.
Protein change: p.Pro199Ala; replaces proline 199 with alanine.
Molecular consequence: missense variant.
Genome position (GRCh38, 1-based): chrX:68,213,864, G>C on the plus strand (C>G on the coding strand, the complement: OPHN1 is on the minus strand). VCF-style: chrX-68213864-G-C. GRCh37 (hg19) VCF-style: chrX-67433706-G-C.
Other names: short protein forms P199A.
Identifiers: ClinVar variation 3383613 (VCV003383613.1).

ClinVar aggregate classification (germline): Uncertain significance (1 of 4 stars; one submission).

gnomAD v4.1: 2 of 1,140,047 alleles (0.00018%); highest among the groups gnomAD compares: Non-Finnish European, 0.00024%; no homozygotes.

Submission:

GeneDx
Classification: Uncertain significance. Last evaluated: 2024-05-22. Review status: criteria provided, single submitter. Criteria: GeneDx Variant Classification Process June 2021. Collection method: clinical testing. Allele origin: germline. Affected: yes.
Comment: In silico analysis supports that this missense variant has a deleterious effect on protein structure/function; Has not been previously published as pathogenic or benign to our knowledge